The following is an entry in ClinVar:

ClinVar aggregate classification (germline): Benign (1 of 4 stars; one submission).

Conditions:
CEDNIK syndrome. Also called: CEREBRAL DYSGENESIS, NEUROPATHY, ICHTHYOSIS, AND PALMOPLANTAR KERATODERMA SYNDROME; Cerebral dysgenesis, neuropathy, ichthyosis, and palmoplantar keratoderma. Identifiers: Orphanet 66631, MedGen C1836033, MONDO:0012290, OMIM 609528.

Allele frequency attached by ClinVar (database versions not stated): 1000 Genomes Project 30x 0.00843; 1000 Genomes Project 0.00899; TOPMed 0.01453; gnomAD 0.01913 and 0.01926; gnomAD exomes 0.02440.
gnomAD v4.1: 8,830 of 398,552 alleles (2.2%); highest among the groups gnomAD compares: Non-Finnish European, 2.7%; 138 homozygotes.

Submission:

Illumina Laboratory Services, Illumina
Classification: Benign for CEDNIK syndrome. Last evaluated: 2018-01-12. Review status: criteria provided, single submitter. Criteria: ICSL Variant Classification Criteria 13 December 2019. Collection method: clinical testing. Allele origin: germline.
Comment: This variant was observed in the ICSL laboratory as part of a predisposition screen in an ostensibly healthy population. It had not been previously curated by ICSL or reported in the Human Gene Mutation Database (HGMD: prior to June 1st, 2018), and was therefore a candidate for classification through an automated scoring system. Utilizing variant allele frequency, disease prevalence and penetrance estimates, and inheritance mode, an automated score was calculated to assess if this variant is too frequent to cause the disease. Based on the score and internal cut-off values, a variant classified as benign is not then subjected to further curation. The score for this variant resulted in a classification of benign for this disease.

NM_004782.4(SNAP29):c.*2551G>A

Gene: SNAP29 (synaptosome associated protein 29; plus strand). Cytogenetic location: 22q11.21.
Variant type: single nucleotide variant.
Coding change: c.*2551G>A on transcript NM_004782.4 (MANE Select); 2551 bases downstream of the stop codon, G replaced by A.
Molecular consequence: 3 prime UTR variant.
Genome position (GRCh38, 1-based): chr22:20,890,387, G>A. VCF-style: chr22-20890387-G-A. GRCh37 (hg19) VCF-style: chr22-21244675-G-A.
Identifiers: ClinVar variation 340884 (VCV000340884.5), dbSNP rs73162856, ClinGen allele CA10653903.